The following is an entry in ClinVar:

ClinVar aggregate classification (germline): Uncertain significance (1 of 4 stars; one submission).

Submissions (2):

GeneDx
Classification: Uncertain significance. Last evaluated: 2019-05-06. Review status: criteria provided, single submitter. Criteria: GeneDx Variant Classification Process June 2021. Collection method: clinical testing. Allele origin: germline. Affected: yes.
Comment: Not observed in large population cohorts (Lek et al., 2016); In silico analysis, which includes protein predictors and evolutionary conservation, supports a deleterious effect; In addition, in silico splice predictors suggest this variant may lead to abnormal gene splicing. In the absence of RNA/functional studies, the actual effect of this sequence change is unknown.; Has not been previously published as pathogenic or benign to our knowledge

Dr. Peter K. Rogan Lab, Western University
No classification provided (evidence only). Condition: Uterine corpus endometrial carcinoma. Review status: no classification provided. Collection method: in vitro. Allele origin: not applicable. Functional consequence: skipped exon, retained intron. Not counted in ClinVar's aggregate classification.

NM_015570.4(AUTS2):c.2531G>T (p.Arg844Met)

Gene: AUTS2 (activator of transcription and developmental regulator AUTS2; plus strand). Cytogenetic location: 7q11.22.
Variant type: single nucleotide variant.
Coding change: c.2531G>T on transcript NM_015570.4 (MANE Select); coding-DNA position 2531, G replaced by T.
Protein change: p.Arg844Met; replaces arginine 844 with methionine.
Molecular consequence: missense variant.
Genome position (GRCh38, 1-based): chr7:70,787,431, G>T. VCF-style: chr7-70787431-G-T. GRCh37 (hg19) VCF-style: chr7-70252417-G-T.
Other names: NC_000007.13:g.70252417G>T; c.2459G>T, p.Arg820Met (NM_001127231.3); short protein forms R820M, R844M.
Identifiers: ClinVar variation 1305477 (VCV001305477.3), dbSNP rs771663725, ClinGen allele CA367664287.
Genomic context (GRCh38, chr7:70,787,431, plus strand): 5'-ATGACAGAGATAGAGATGTAGATAAACGAGACTCATCTGTTAGTAAAGATGACAAAGAAA[G>T]GTACGGAAAGAAACCGCTCTCGAGTCCCCACGGGGGAGCCTGCTCTATGCCAAGTACCAG-3'
Protein context (NP_056385.1, residues 834-854): DSSVSKDDKE[Arg844Met]ESVEKRHSSH